The following is an entry in ClinVar:

ClinVar aggregate classification (germline): Uncertain significance (1 of 4 stars; one submission).

Allele frequency attached by ClinVar (database versions not stated): gnomAD exomes below 0.00001.
gnomAD v4.1: 5 of 1,613,996 alleles (0.00031%); highest among the groups gnomAD compares: Admixed American, 0.0017%; no homozygotes.

Submission:

Labcorp Genetics (formerly Invitae), Labcorp
Classification: Uncertain significance. Last evaluated: 2022-06-16. Review status: criteria provided, single submitter. Criteria: Invitae Variant Classification Sherloc (09022015). Collection method: clinical testing. Allele origin: germline.
Comment: This sequence change replaces glycine, which is neutral and non-polar, with aspartic acid, which is acidic and polar, at codon 296 of the SAG protein (p.Gly296Asp). In summary, the available evidence is currently insufficient to determine the role of this variant in disease. Therefore, it has been classified as a Variant of Uncertain Significance. Algorithms developed to predict the effect of missense changes on protein structure and function are either unavailable or do not agree on the potential impact of this missense change (SIFT: "Tolerated"; PolyPhen-2: "Probably Damaging"; Align-GVGD: "Class C0"). This variant has not been reported in the literature in individuals affected with SAG-related conditions. This variant is present in population databases (no rsID available, gnomAD 0.003%).

NM_000541.5(SAG):c.887G>A (p.Gly296Asp)

Gene: SAG (S-antigen visual arrestin; plus strand). Cytogenetic location: 2q37.1.
Variant type: single nucleotide variant.
Coding change: c.887G>A on transcript NM_000541.5 (MANE Select); coding-DNA position 887, G replaced by A.
Protein change: p.Gly296Asp; replaces glycine 296 with aspartic acid.
Molecular consequence: missense variant.
Genome position (GRCh38, 1-based): chr2:233,335,042, G>A. VCF-style: chr2-233335042-G-A. GRCh37 (hg19) VCF-style: chr2-234243688-G-A.
Other names: short protein forms G296D.
Identifiers: ClinVar variation 1927656 (VCV001927656.5), dbSNP rs961526984, ClinGen allele CA67557003.